The following is an entry in ClinVar:

NM_030665.4(RAI1):c.4194G>A (p.Pro1398=)

Gene: RAI1 (retinoic acid induced 1; plus strand). Cytogenetic location: 17p11.2.
Variant type: single nucleotide variant.
Coding change: c.4194G>A on transcript NM_030665.4 (MANE Select); coding-DNA position 4194, G replaced by A.
Protein change: p.Pro1398=; no amino-acid change (proline 1398 retained).
Molecular consequence: synonymous variant.
Genome position (GRCh38, 1-based): chr17:17,797,142, G>A. VCF-style: chr17-17797142-G-A. GRCh37 (hg19) VCF-style: chr17-17700456-G-A.
Other names: c.4194G>A (NM_030665.3).
Identifiers: ClinVar variation 1593932 (VCV001593932.10), dbSNP rs191286357, ClinGen allele CA8418905.
Genomic context (GRCh38, chr17:17,797,142, plus strand): 5'-GGAAGAAGGCCTGGTAAATGTGGGCACCGGGCAGAAGCTCCCAACTTCTGGGGCTGATCC[G>A]TTATGCAGAAATCCAACCAACAGATCCTTAAAAGGCAAACTCATGAACAGTAAGAAACTG-3'
Protein context (NP_109590.3, residues 1388-1408): GQKLPTSGAD[Pro1398=]LCRNPTNRSL

ClinVar aggregate classification (germline): Likely benign. Review status: criteria provided, single submitter (1 of 4 stars). 2 submissions from 2 submitters: Likely benign (1). 1 of the submissions does not count toward it. Last evaluated 2025-08-14.

Conditions:
RAI1-related disorder. Also called: RAI1-related condition.

Allele frequency attached by ClinVar (database versions not stated): TOPMed 0.00001; gnomAD 0.00003 and 0.00005; gnomAD exomes 0.00005 and 0.00006; ExAC 0.00006; 1000 Genomes Project 30x 0.00016; 1000 Genomes Project 0.00020.
gnomAD v4.1: 85 of 1,614,026 alleles (0.0053%); highest among the groups gnomAD compares: East Asian, 0.022%; no homozygotes.

Submissions (2):

Labcorp Genetics (formerly Invitae), Labcorp
Classification: Likely benign. Last evaluated: 2025-08-14. Review status: criteria provided, single submitter. Criteria: Invitae Variant Classification Sherloc (09022015). Collection method: clinical testing. Allele origin: germline.

PreventionGenetics, part of Exact Sciences
Classification: Likely benign for RAI1-related condition. Last evaluated: 2022-04-04. Review status: no assertion criteria provided. Collection method: clinical testing. Allele origin: germline. Not counted in ClinVar's aggregate classification.
Comment: This variant is classified as likely benign based on ACMG/AMP sequence variant interpretation guidelines (Richards et al. 2015 PMID: 25741868, with internal and published modifications).